The following is an entry in ClinVar:

ClinVar aggregate classification (germline): Conflicting classifications of pathogenicity. Review status: criteria provided, conflicting classifications (1 of 4 stars). 9 submissions from 9 submitters: Uncertain significance (1); Benign (3); Likely benign (4). 1 of the submissions does not count toward it. Last evaluated 2026-02-01.

Conditions:
Inborn genetic diseases. Identifiers: MedGen C0950123, MeSH D030342.
CHD7-related disorder. Also called: CHD7-related condition.
Hypogonadotropic hypogonadism 5 with or without anosmia (KAL5). Also called: CHD7-Related GnRH Deficiency (Kallmann Syndrome 5); HYPOGONADOTROPIC HYPOGONADISM 5 WITH ANOSMIA; HYPOGONADOTROPHIC HYPOGONADISM 5 WITHOUT ANOSMIA. Identifiers: Orphanet 478, MedGen C3552553, MONDO:0012880, OMIM 612370. Disease mechanism: loss of function.
CHARGE syndrome (CHARGE). Also called: CHARGE ASSOCIATION--COLOBOMA, HEART ANOMALY, CHOANAL ATRESIA, RETARDATION, GENITAL AND EAR ANOMALIES; Hittner Hirsch Kreh syndrome; Coloboma, heart anomaly, choanal atresia, retardation, genital and ear anomalies; CHARGE association; Hall-Hittner syndrome. Identifiers: Orphanet 138, MedGen C0265354, MONDO:0008965.

Allele frequency attached by ClinVar (database versions not stated): gnomAD 0.00016; ESP Exome Variant Server 0.00008; TOPMed 0.00008.
gnomAD v4.1: 264 of 1,587,014 alleles (0.017%); highest among the groups gnomAD compares: Admixed American, 0.012%; no homozygotes.

Submissions (9):

Labcorp Genetics (formerly Invitae), Labcorp
Classification: Benign for CHARGE syndrome. Last evaluated: 2026-02-01. Review status: criteria provided, single submitter. Criteria: Invitae Variant Classification Sherloc (09022015). Collection method: clinical testing. Allele origin: germline.

Women's Health and Genetics/Laboratory Corporation of America, LabCorp
Classification: Benign. Last evaluated: 2025-12-03. Review status: criteria provided, single submitter. Criteria: LabCorp Variant Classification Summary - May 2015. Collection method: clinical testing. Allele origin: germline.
Comment: Variant summary: CHD7 c.4851T>C (p.Gly1617Gly) alters a conserved nucleotide located close to a canonical splice site and therefore could affect mRNA splicing, leading to a significantly altered protein sequence. Consensus agreement among computation tools predict no significant impact on normal splicing. However, these predictions have yet to be confirmed by functional studies. The variant allele was found at a frequency of 0.00025 in 267138 control chromosomes, predominantly at a frequency of 0.0058 within the Latino subpopulation in the gnomAD database. The observed variant frequency within Latino control individuals in the gnomAD database exceeds the estimated maximal expected allele frequency for disease-causing variants in CHD7. To our knowledge, no occurrence of c.4851T>C in individuals affected with CHD7-related conditions and no experimental evidence demonstrating its impact on protein function have been reported. ClinVar contains an entry for this variant (Variation ID: 95791). Based on the evidence outlined above, the variant was classified as benign.

CeGaT Center for Human Genetics Tuebingen
Classification: Likely benign. Last evaluated: 2025-11-01. Review status: criteria provided, single submitter. Criteria: CeGaT Center For Human Genetics Tuebingen Variant Classification Criteria Version 2. Collection method: clinical testing. Allele origin: germline. Affected: yes. Observed: 2 variant alleles.
Comment: CHD7: BP4, BP7

Blueprint Genetics
Classification: Likely benign. Last evaluated: 2024-09-13. Review status: criteria provided, single submitter. Criteria: ACMG Guidelines, 2015. Collection method: clinical testing. Allele origin: germline.

GeneDx
Classification: Benign. Last evaluated: 2020-07-28. Review status: criteria provided, single submitter. Criteria: GeneDx Variant Classification Process June 2021. Collection method: clinical testing. Allele origin: germline. Affected: yes.

Illumina Laboratory Services, Illumina
Classification: Likely benign for Kallmann Syndrome 5. Last evaluated: 2018-01-12. Review status: criteria provided, single submitter. Criteria: ICSL Variant Classification Criteria 13 December 2019. Collection method: clinical testing. Allele origin: germline.
Comment: This variant was observed in the ICSL laboratory as part of a predisposition screen in an ostensibly healthy population. It had not been previously curated by ICSL or reported in the Human Gene Mutation Database (HGMD: prior to June 1st, 2018), and was therefore a candidate for classification through an automated scoring system. Utilizing variant allele frequency, disease prevalence and penetrance estimates, and inheritance mode, an automated score was calculated to assess if this variant is too frequent to cause the disease. Based on the score and internal cut-off values, a variant classified as likely benign is not then subjected to further curation. The score for this variant resulted in a classification of likely benign for this disease.

Ambry Genetics
Classification: Likely benign for Inborn genetic diseases. Last evaluated: 2017-02-24. Review status: criteria provided, single submitter. Criteria: Ambry Variant Classification Scheme 2023. Collection method: clinical testing. Allele origin: germline.

Eurofins Ntd Llc (ga)
Classification: Uncertain significance. Last evaluated: 2012-09-06. Review status: criteria provided, single submitter. Criteria: EGL Classification Definitions 2015. Collection method: clinical testing. Allele origin: germline. Observed: 1 variant allele, 1 heterozygote.

PreventionGenetics, part of Exact Sciences
Classification: Benign for CHD7-related condition. Last evaluated: 2020-05-21. Review status: no assertion criteria provided. Collection method: clinical testing. Allele origin: germline. Not counted in ClinVar's aggregate classification.
Comment: This variant is classified as benign based on ACMG/AMP sequence variant interpretation guidelines (Richards et al. 2015 PMID: 25741868, with internal and published modifications).

NM_017780.4(CHD7):c.4851T>C (p.Gly1617=)

Gene: CHD7 (chromodomain helicase DNA binding protein 7; plus strand). Cytogenetic location: 8q12.2.
Variant type: single nucleotide variant.
Coding change: c.4851T>C on transcript NM_017780.4 (MANE Select); coding-DNA position 4851, T replaced by C.
Protein change: p.Gly1617=; no amino-acid change (glycine 1617 retained).
Molecular consequence: synonymous variant. On other transcripts: intron variant (1).
Genome position (GRCh38, 1-based): chr8:60,844,864, T>C. VCF-style: chr8-60844864-T-C. GRCh37 (hg19) VCF-style: chr8-61757423-T-C.
Other names: c.1717-17365T>C (NM_001316690.1).
Identifiers: ClinVar variation 95791 (VCV000095791.37), dbSNP rs181927766, ClinGen allele CA223303.